The following is an entry in ClinVar:

ClinVar aggregate classification (germline): Benign. Review status: criteria provided, multiple submitters, no conflicts (2 of 4 stars). 2 submissions from 2 submitters: Benign (2). Last evaluated 2018-06-18.

Allele frequency attached by ClinVar (database versions not stated): gnomAD 0.15376 and 0.15390; TOPMed 0.16042; 1000 Genomes Project 0.28315; 1000 Genomes Project 30x 0.27264.
gnomAD v4.1: 198,949 of 1,288,948 alleles (15%); highest among the groups gnomAD compares: East Asian, 60%; 22,395 homozygotes.

Submissions (3):

GeneDx
Classification: Benign. Last evaluated: 2018-06-18. Review status: criteria provided, single submitter. Criteria: GeneDx Variant Classification (06012015). Collection method: clinical testing. Allele origin: germline. Affected: yes.
Comment: This variant is considered likely benign or benign based on one or more of the following criteria: it is a conservative change, it occurs at a poorly conserved position in the protein, it is predicted to be benign by multiple in silico algorithms, and/or has population frequency not consistent with disease.

Breakthrough Genomics
Classification: Benign. Review status: criteria provided, single submitter. Criteria: ACMG Guidelines, 2015. Collection method: not provided. Allele origin: germline. Inheritance: Autosomal dominant inheritance. Affected: yes.

Dr. Peter K. Rogan Lab, Western University
No classification provided (evidence only). Condition: Uterine carcinosarcoma. Review status: no classification provided. Collection method: in vitro. Allele origin: not applicable. Functional consequence: retained intron. Not counted in ClinVar's aggregate classification.

NM_024426.6(WT1):c.1264+134T>A

Gene: WT1 (WT1 transcription factor; minus strand). Cytogenetic location: 11p13.
Variant type: single nucleotide variant.
Coding change: c.1264+134T>A on transcript NM_024426.6 (MANE Select); 134 bases into the intron after coding-DNA position 1264, T replaced by A.
Molecular consequence: intron variant.
Genome position (GRCh38, 1-based): chr11:32,396,123, A>T on the plus strand (T>A on the coding strand, the complement: WT1 is on the minus strand). VCF-style: chr11-32396123-A-T. GRCh37 (hg19) VCF-style: chr11-32417669-A-T.
Other names: NC_000011.9:g.32417669A>T; c.1090+134T>A (NM_001407050.1); c.1141+134T>A (NM_001407047.1); c.1213+134T>A (NM_001407048.1, NM_001407049.1, NM_000378.6 and 1 more transcripts); c.1258+134T>A (NM_001407044.1); c.1264+134T>A (NM_001407046.1, NM_024424.5); c.502+134T>A (NM_001407051.1); c.562+134T>A (NM_001198552.2); and 2 more.
Identifiers: ClinVar variation 677553 (VCV000677553.4), dbSNP rs5030277, ClinGen allele CA219476707.
Genomic context (GRCh38, chr11:32,396,123, plus strand): 5'-TGACCTCTGTAATAAAGGATAGATAATCAGAATGCAAAATGGCCCCACAGCCTCTTTACA[A>T]CACCTGGATCAGACCTTTCAAAGCAGTGCTTACTTTCCATCCTGGAAATAACCTGGGTCC-3'